The following is an entry in ClinVar:

NM_001130987.2(DYSF):c.1985-15G>T

Gene: DYSF (dysferlin; plus strand). Cytogenetic location: 2p13.2.
Variant type: single nucleotide variant.
Coding change: c.1985-15G>T on transcript NM_001130987.2 (MANE Select); 15 bases into the intron before coding-DNA position 1985, G replaced by T.
Molecular consequence: intron variant.
Genome position (GRCh38, 1-based): chr2:71,553,792, G>T. VCF-style: chr2-71553792-G-T. GRCh37 (hg19) VCF-style: chr2-71780922-G-T.
Other names: c.2024-15G>T (NM_001130979.2); c.1982-15G>T (NM_001130981.2, NM_001130980.2); c.1931-15G>T (NM_001130978.2, NM_003494.4); c.1889-15G>T (NM_001130977.2, NM_001130976.2); c.2027-15G>T (NM_001130982.2); c.1985-15G>T (NM_001130985.2); c.1934-15G>T (NM_001130983.2, NM_001130455.2); c.1892-15G>T (NM_001130984.2, NM_001130986.2).
Identifiers: ClinVar variation 387586 (VCV000387586.13), dbSNP rs146407633, ClinGen allele CA1706019.

ClinVar aggregate classification (germline): Conflicting classifications of pathogenicity. Review status: criteria provided, conflicting classifications (1 of 4 stars). 4 submissions from 4 submitters: Uncertain significance (1); Benign (1); Likely benign (2). Last evaluated 2026-01-24.

Conditions:
Neuromuscular disease caused by qualitative or quantitative defects of dysferlin. Also called: Dysferlinopathy; Qualitative or quantitative defects of dysferlin. Identifiers: Orphanet 207073, MedGen C2931687, MONDO:0016145.

Allele frequency attached by ClinVar (database versions not stated): TOPMed 0.00073; 1000 Genomes Project 0.00339; 1000 Genomes Project 30x 0.00344.
gnomAD v4.1: 747 of 806,708 alleles (0.093%); highest among the groups gnomAD compares: East Asian, 3.8%; 3 homozygotes.

Submissions (4):

Labcorp Genetics (formerly Invitae), Labcorp
Classification: Benign for Neuromuscular disease caused by qualitative or quantitative defects of dysferlin. Last evaluated: 2026-01-24. Review status: criteria provided, single submitter. Criteria: Invitae Variant Classification Sherloc (09022015). Collection method: clinical testing. Allele origin: germline.

Blueprint Genetics
Classification: Likely benign. Last evaluated: 2024-09-23. Review status: criteria provided, single submitter. Criteria: ACMG Guidelines, 2015. Collection method: clinical testing. Allele origin: germline.

Illumina Laboratory Services, Illumina
Classification: Uncertain significance for Qualitative or quantitative defects of dysferlin. Last evaluated: 2018-01-13. Review status: criteria provided, single submitter. Criteria: ICSL Variant Classification Criteria 13 December 2019. Collection method: clinical testing. Allele origin: germline.

GeneDx
Classification: Likely benign. Last evaluated: 2016-08-01. Review status: criteria provided, single submitter. Criteria: GeneDx Variant Classification (06012015). Collection method: clinical testing. Allele origin: germline. Affected: yes.
Comment: This variant is considered likely benign or benign based on one or more of the following criteria: it is a conservative change, it occurs at a poorly conserved position in the protein, it is predicted to be benign by multiple in silico algorithms, and/or has population frequency not consistent with disease.